The following is an entry in ClinVar:

NM_000017.4(ACADS):c.862G>T (p.Asp288Tyr)

Gene: ACADS (acyl-CoA dehydrogenase short chain; plus strand). Cytogenetic location: 12q24.31.
Variant type: single nucleotide variant.
Coding change: c.862G>T on transcript NM_000017.4 (MANE Select); coding-DNA position 862, G replaced by T.
Protein change: p.Asp288Tyr; replaces aspartic acid 288 with tyrosine.
Molecular consequence: missense variant.
Genome position (GRCh38, 1-based): chr12:120,738,599, G>T. VCF-style: chr12-120738599-G-T. GRCh37 (hg19) VCF-style: chr12-121176402-G-T.
Other names: c.850G>T, p.Asp284Tyr (NM_001302554.2); short protein forms D288Y, D284Y.
Identifiers: ClinVar variation 2826363 (VCV002826363.3), dbSNP rs567335248, ClinGen allele CA386601243.

ClinVar aggregate classification (germline): Uncertain significance (1 of 4 stars; one submission).

Conditions:
Deficiency of butyryl-CoA dehydrogenase (ACADSD). Also called: SCAD DEFICIENCY, MILD; ACYL-CoA DEHYDROGENASE, SHORT-CHAIN, DEFICIENCY OF; SCAD Deficiency; SCADH DEFICIENCY; ACADS DEFICIENCY; Short-Chain Acyl-CoA Dehydrogenase Deficiency. Identifiers: Orphanet 26792, MedGen C0342783, MONDO:0008722, OMIM 201470. Disease mechanism: May be benign.

Submission:

Labcorp Genetics (formerly Invitae), Labcorp
Classification: Uncertain significance for Deficiency of butyryl-CoA dehydrogenase. Last evaluated: 2023-01-05. Review status: criteria provided, single submitter. Criteria: Invitae Variant Classification Sherloc (09022015). Collection method: clinical testing. Allele origin: germline.
Comment: In summary, the available evidence is currently insufficient to determine the role of this variant in disease. Therefore, it has been classified as a Variant of Uncertain Significance. Algorithms developed to predict the effect of missense changes on protein structure and function (SIFT, PolyPhen-2, Align-GVGD) all suggest that this variant is likely to be disruptive. This variant has not been reported in the literature in individuals affected with ACADS-related conditions. This variant is not present in population databases (gnomAD no frequency). This sequence change replaces aspartic acid, which is acidic and polar, with tyrosine, which is neutral and polar, at codon 288 of the ACADS protein (p.Asp288Tyr).